The following is an entry in ClinVar:

ClinVar aggregate classification (germline): Uncertain significance (1 of 4 stars; one submission).

Conditions:
Inborn genetic diseases. Identifiers: MedGen C0950123, MeSH D030342.

Allele frequency attached by ClinVar (database versions not stated): gnomAD exomes below 0.00001; gnomAD 0.00001; TOPMed 0.00001; ESP Exome Variant Server 0.00008.
gnomAD v4.1: 7 of 1,614,054 alleles (0.00043%); highest among the groups gnomAD compares: East Asian, 0.0022%; no homozygotes.

Submission:

Ambry Genetics
Classification: Uncertain significance for Inborn genetic diseases. Last evaluated: 2023-04-11. Review status: criteria provided, single submitter. Criteria: Ambry Variant Classification Scheme 2023. Collection method: clinical testing. Allele origin: germline.
Comment: The c.1066T>C (p.S356P) alteration is located in exon 7 (coding exon 6) of the SATB1 gene. This alteration results from a T to C substitution at nucleotide position 1066, causing the serine (S) at amino acid position 356 to be replaced by a proline (P). This variant was not reported in population-based cohorts in the Genome Aggregation Database (gnomAD). This amino acid position is highly conserved in available vertebrate species. The in silico prediction for this alteration is inconclusive. Based on insufficient or conflicting evidence, the clinical significance of this alteration remains unclear.

NM_002971.6(SATB1):c.1066T>C (p.Ser356Pro)

Gene: SATB1 (SATB homeobox 1; minus strand). Cytogenetic location: 3p24.3.
Variant type: single nucleotide variant.
Coding change: c.1066T>C on transcript NM_002971.6 (MANE Select); coding-DNA position 1066, T replaced by C.
Protein change: p.Ser356Pro; replaces serine 356 with proline.
Molecular consequence: missense variant.
Genome position (GRCh38, 1-based): chr3:18,394,602, A>G on the plus strand (T>C on the coding strand, the complement: SATB1 is on the minus strand). VCF-style: chr3-18394602-A-G. GRCh37 (hg19) VCF-style: chr3-18436094-A-G.
Other names: c.1066T>C, p.Ser356Pro (NM_001131010.4, NM_001195470.3, NM_001322871.2 and 4 more transcripts); c.850T>C, p.Ser284Pro (NM_001322876.2); short protein forms S284P, S356P.
Identifiers: ClinVar variation 2536033 (VCV002536033.2), dbSNP rs369928384, ClinGen allele CA70705860.